The following is an entry in ClinVar:

NM_017841.4(SDHAF2):c.450G>T (p.Glu150Asp)

Gene: SDHAF2 (succinate dehydrogenase complex assembly factor 2; plus strand). Cytogenetic location: 11q12.2.
Variant type: single nucleotide variant.
Coding change: c.450G>T on transcript NM_017841.4 (MANE Select); coding-DNA position 450, G replaced by T.
Protein change: p.Glu150Asp; replaces glutamic acid 150 with aspartic acid.
Molecular consequence: missense variant.
Genome position (GRCh38, 1-based): chr11:61,446,020, G>T. VCF-style: chr11-61446020-G-T. GRCh37 (hg19) VCF-style: chr11-61213492-G-T.
Other names: short protein forms E150D.
Identifiers: ClinVar variation 1719261 (VCV001719261.5), dbSNP rs764146390, ClinGen allele CA380685426.

ClinVar aggregate classification (germline): Uncertain significance (1 of 4 stars; one submission).

Conditions:
Hereditary pheochromocytoma and paraganglioma. Also called: Hereditary pheochromocytoma-paraganglioma; Hereditary paragangliomas and pheochromocytomas; Hereditary Paraganglioma-Pheochromocytoma Syndromes. Identifiers: Orphanet 29072, MedGen C4274332, MONDO:0017366.

Submission:

Labcorp Genetics (formerly Invitae), Labcorp
Classification: Uncertain significance for Hereditary pheochromocytoma and paraganglioma. Last evaluated: 2022-09-23. Review status: criteria provided, single submitter. Criteria: Invitae Variant Classification Sherloc (09022015). Collection method: clinical testing. Allele origin: germline.
Comment: This variant has not been reported in the literature in individuals affected with SDHAF2-related conditions. Algorithms developed to predict the effect of missense changes on protein structure and function are either unavailable or do not agree on the potential impact of this missense change (SIFT: "Tolerated"; PolyPhen-2: "Probably Damaging"; Align-GVGD: "Class C0"). This variant is not present in population databases (gnomAD no frequency). This sequence change replaces glutamic acid, which is acidic and polar, with aspartic acid, which is acidic and polar, at codon 150 of the SDHAF2 protein (p.Glu150Asp). In summary, the available evidence is currently insufficient to determine the role of this variant in disease. Therefore, it has been classified as a Variant of Uncertain Significance.